The following is an entry in ClinVar:

ClinVar aggregate classification (germline): Uncertain significance. Review status: criteria provided, multiple submitters, no conflicts (2 of 4 stars). 2 submissions from 2 submitters: Uncertain significance (2). Last evaluated 2024-05-31.

Conditions:
Tuberous sclerosis 1 (TSC1). Identifiers: Orphanet 805, MedGen C1854465, MONDO:0008612, OMIM 191100.
Hereditary cancer-predisposing syndrome. Also called: Neoplastic Syndromes, Hereditary; Hereditary neoplastic syndrome; Hereditary Cancer Syndrome; Tumor predisposition. Identifiers: Orphanet 140162, MedGen C0027672, MeSH D009386, MONDO:0015356.

Submissions (2):

Ambry Genetics
Classification: Uncertain significance for Hereditary cancer-predisposing syndrome. Last evaluated: 2024-05-31. Review status: criteria provided, single submitter. Criteria: Ambry Variant Classification Scheme 2023. Collection method: clinical testing. Allele origin: germline.
Comment: The p.S331R variant (also known as c.993T>A), located in coding exon 8 of the TSC1 gene, results from a T to A substitution at nucleotide position 993. The serine at codon 331 is replaced by arginine, an amino acid with dissimilar properties. This amino acid position is conserved. In addition, this alteration is predicted to be deleterious by in silico analysis. Based on the available evidence, the clinical significance of this variant remains unclear.

Labcorp Genetics (formerly Invitae), Labcorp
Classification: Uncertain significance for Tuberous sclerosis 1. Last evaluated: 2022-11-01. Review status: criteria provided, single submitter. Criteria: Invitae Variant Classification Sherloc (09022015). Collection method: clinical testing. Allele origin: germline.
Comment: This sequence change replaces serine, which is neutral and polar, with arginine, which is basic and polar, at codon 331 of the TSC1 protein (p.Ser331Arg). In summary, the available evidence is currently insufficient to determine the role of this variant in disease. Therefore, it has been classified as a Variant of Uncertain Significance. Advanced modeling of protein sequence and biophysical properties (such as structural, functional, and spatial information, amino acid conservation, physicochemical variation, residue mobility, and thermodynamic stability) performed at Invitae indicates that this missense variant is not expected to disrupt TSC1 protein function. ClinVar contains an entry for this variant (Variation ID: 655206). This variant has not been reported in the literature in individuals affected with TSC1-related conditions. This variant is not present in population databases (gnomAD no frequency).

NM_000368.5(TSC1):c.993T>A (p.Ser331Arg)

Gene: TSC1 (TSC complex subunit 1; minus strand). Cytogenetic location: 9q34.13.
Variant type: single nucleotide variant.
Coding change: c.993T>A on transcript NM_000368.5 (MANE Select); coding-DNA position 993, T replaced by A.
Protein change: p.Ser331Arg; replaces serine 331 with arginine.
Molecular consequence: missense variant.
Genome position (GRCh38, 1-based): chr9:132,911,489, A>T on the plus strand (T>A on the coding strand, the complement: TSC1 is on the minus strand). VCF-style: chr9-132911489-A-T. GRCh37 (hg19) VCF-style: chr9-135786876-A-T.
Other names: c.993T>A, p.Ser331Arg (NM_001162426.2); c.840T>A, p.Ser280Arg (NM_001162427.2); c.630T>A, p.Ser210Arg (NM_001362177.2); short protein forms S210R, S331R, S280R.
Identifiers: ClinVar variation 655206 (VCV000655206.11), dbSNP rs1588324306, ClinGen allele CA375368582.
Genomic context (GRCh38, chr9:132,911,489, plus strand): 5'-CAGGCACACTAGTTGACACCATACTTGTGGTGGTTCAGTTATCAGCCGTGTCGATGGGGA[A>T]CTCAGAGTCTGAGGTAGCTGCCCTGGCATATTTAACAACATCAGCCGAGACGTGGAGTAA-3'
Protein context (NP_000359.1, residues 321-341): NMPGQLPQTL[Ser331Arg]SPSTRLITEP